The following is an entry in ClinVar:

ClinVar aggregate classification (germline): Uncertain significance (1 of 4 stars; one submission).

Conditions:
Neuropathy, hereditary sensory and autonomic, type 2A (HSAN2A). Also called: ACROOSTEOLYSIS, GIACCAI TYPE; ACROOSTEOLYSIS, NEUROGENIC; MORVAN DISEASE; NEUROPATHY, CONGENITAL SENSORY; NEUROPATHY, HEREDITARY SENSORY RADICULAR, AUTOSOMAL RECESSIVE; NEUROPATHY, HEREDITARY SENSORY, TYPE IIA. Identifiers: Orphanet 970, MedGen C2752089, MONDO:0024309, OMIM 201300.
Pseudohypoaldosteronism type 2C (PHA2C). Also called: Pseudohypoaldosteronism Type IIC. Identifiers: Orphanet 757, Orphanet 88940, MedGen C1840391, MONDO:0013778, OMIM 614492.

Submission:

Labcorp Genetics (formerly Invitae), Labcorp
Classification: Uncertain significance for Neuropathy, hereditary sensory and autonomic, type 2A; Pseudohypoaldosteronism type 2C. Last evaluated: 2021-07-06. Review status: criteria provided, single submitter. Criteria: Invitae Variant Classification Sherloc (09022015). Collection method: clinical testing. Allele origin: germline.
Comment: Algorithms developed to predict the effect of sequence changes on RNA splicing suggest that this variant may create or strengthen a splice site. Advanced modeling of protein sequence and biophysical properties (such as structural, functional, and spatial information, amino acid conservation, physicochemical variation, residue mobility, and thermodynamic stability) performed at Invitae indicates that this missense variant is not expected to disrupt WNK1 protein function. This variant has not been reported in the literature in individuals affected with WNK1-related conditions. This variant is not present in population databases (ExAC no frequency). This sequence change replaces glycine with valine at codon 660 of the WNK1 protein (p.Gly660Val). The glycine residue is highly conserved and there is a moderate physicochemical difference between glycine and valine. In summary, the available evidence is currently insufficient to determine the role of this variant in disease. Therefore, it has been classified as a Variant of Uncertain Significance.

NM_018979.4(WNK1):c.1979G>T (p.Gly660Val)

Gene: WNK1 (WNK lysine deficient protein kinase 1; plus strand). Cytogenetic location: 12p13.33.
Variant type: single nucleotide variant.
Coding change: c.1979G>T on transcript NM_018979.4 (MANE Select); coding-DNA position 1979, G replaced by T.
Protein change: p.Gly660Val; replaces glycine 660 with valine.
Molecular consequence: missense variant.
Genome position (GRCh38, 1-based): chr12:862,110, G>T. VCF-style: chr12-862110-G-T. GRCh37 (hg19) VCF-style: chr12-971276-G-T.
Other names: c.1979G>T, p.Gly660Val (NM_001184985.2, NM_014823.3, NM_213655.5); short protein forms G660V.
Identifiers: ClinVar variation 1402521 (VCV001402521.8), dbSNP rs2154066557, ClinGen allele CA383336174.